The following is an entry in ClinVar:

NM_018417.6(ADCY10):c.3629_3632del (p.Val1210fs)

Gene: ADCY10 (adenylate cyclase 10; minus strand). Cytogenetic location: 1q24.2.
Variant type: Deletion.
Coding change: c.3629_3632del on transcript NM_018417.6 (MANE Select); coding-DNA positions 3629 to 3632, 4 bases deleted (TCTG; older notation c.3629_3632delTCTG).
Protein change: p.Val1210fs; shifts the reading frame from valine 1210.
Molecular consequence: frameshift variant.
Genome position (GRCh38, 1-based): chr1:167,829,385-167,829,388, CAGA deleted on the plus strand (TCTG on the coding strand, the reverse complement: ADCY10 is on the minus strand); deleting any 4 consecutive bases within chr1:167,829,385-167,829,391 gives the same sequence; the c. name uses the placement nearest the transcript's 3' end. VCF-style (leftmost placement, unchanged base first): chr1-167829384-GCAGA-G. GRCh37 (hg19) VCF-style: chr1-167798622-GCAGA-G.
Other names: c.3170_3173del, p.Val1057fs (NM_001167749.3); c.3353_3356del, p.Val1118fs (NM_001297772.2); short protein forms V1057fs, V1118fs, V1210fs.
Identifiers: ClinVar variation 4703156 (VCV004703156.1).
Genomic context (GRCh38, chr1:167,829,384, plus strand): 5'-GGCATAATACTTGCAGTGAAAAAGATAACTGTAGCTATAGATGCGCCACAGCAAGGAAAG[GCAGA>G]CAGTTTGCCGGTAAAGTTGTGCCAGCCTCTTCTTCCTATTGGATAAGGTAAACACAAATG-3'

ClinVar aggregate classification (germline): Pathogenic (1 of 4 stars; one submission).

Submission:

Labcorp Genetics (formerly Invitae), Labcorp
Classification: Pathogenic. Last evaluated: 2025-08-27. Review status: criteria provided, single submitter. Criteria: Invitae Variant Classification Sherloc (09022015). Collection method: clinical testing. Allele origin: germline.
Comment: This sequence change creates a premature translational stop signal (p.Val1210Alafs*26) in the ADCY10 gene. It is expected to result in an absent or disrupted protein product. Loss-of-function variants in ADCY10 are known to be pathogenic (PMID: 31119281). This variant is present in population databases (rs781154117, gnomAD 0.002%). This variant has not been reported in the literature in individuals affected with ADCY10-related conditions. For these reasons, this variant has been classified as Pathogenic.

Literature cited by the submitters: PubMed 31119281.